The following is an entry in ClinVar:

ClinVar aggregate classification (germline): Uncertain significance. Review status: criteria provided, multiple submitters, no conflicts (2 of 4 stars). 2 submissions from 2 submitters: Uncertain significance (2). Last evaluated 2025-04-13.

Conditions:
Cardiovascular phenotype. Identifiers: MedGen CN230736.
Ehlers-Danlos syndrome, kyphoscoliotic type, 2. Also called: Ehlers-Danlos syndrome with progressive kyphoscoliosis, myopathy, and hearing loss; FKBP14-Kyphoscoliotic Ehlers-Danlos Syndrome; Ehlers-Danlos syndrome, kyphoscoliotic and deafness type. Identifiers: Orphanet 300179, MedGen C3281160, MONDO:0013800, OMIM 614557.

Allele frequency attached by ClinVar (database versions not stated): TOPMed 0.00001; gnomAD 0.00002; gnomAD exomes 0.00002; ExAC 0.00007.
gnomAD v4.1: 13 of 1,614,030 alleles (0.00081%); highest among the groups gnomAD compares: East Asian, 0.027%; no homozygotes.

Submissions (2):

Ambry Genetics
Classification: Uncertain significance for Cardiovascular phenotype. Last evaluated: 2025-04-13. Review status: criteria provided, single submitter. Criteria: Ambry Variant Classification Scheme 2023. Collection method: clinical testing. Allele origin: germline.
Comment: The p.D89N variant (also known as c.265G>A), located in coding exon 2 of the FKBP14 gene, results from a G to A substitution at nucleotide position 265. The aspartic acid at codon 89 is replaced by asparagine, an amino acid with highly similar properties. This amino acid position is conserved. In addition, this alteration is predicted to be tolerated by in silico analysis. Since supporting evidence is limited at this time, the clinical significance of this alteration remains unclear.

Labcorp Genetics (formerly Invitae), Labcorp
Classification: Uncertain significance for Ehlers-Danlos syndrome, kyphoscoliotic type, 2. Last evaluated: 2024-12-31. Review status: criteria provided, single submitter. Criteria: Invitae Variant Classification Sherloc (09022015). Collection method: clinical testing. Allele origin: germline.
Comment: This sequence change replaces aspartic acid, which is acidic and polar, with asparagine, which is neutral and polar, at codon 89 of the FKBP14 protein (p.Asp89Asn). This variant is present in population databases (rs760591517, gnomAD 0.07%). This variant has not been reported in the literature in individuals affected with FKBP14-related conditions. ClinVar contains an entry for this variant (Variation ID: 1794431). An algorithm developed to predict the effect of missense changes on protein structure and function (PolyPhen-2) suggests that this variant is likely to be disruptive. In summary, the available evidence is currently insufficient to determine the role of this variant in disease. Therefore, it has been classified as a Variant of Uncertain Significance.

NM_017946.4(FKBP14):c.265G>A (p.Asp89Asn)

Genes: FKBP14-AS1 (FKBP14 antisense RNA 1; plus strand), FKBP14 (FKBP prolyl isomerase 14; minus strand). Cytogenetic location: 7p14.3.
Variant type: single nucleotide variant.
Coding change: c.265G>A on transcript NM_017946.4 (MANE Select); coding-DNA position 265, G replaced by A.
Protein change: p.Asp89Asn; replaces aspartic acid 89 with asparagine.
Molecular consequence: missense variant. On other transcripts: non-coding transcript variant (1).
Genome position (GRCh38, 1-based): chr7:30,022,749, C>T on the plus strand (G>A on the coding strand, the complement: FKBP14 is on the minus strand). VCF-style: chr7-30022749-C-T. GRCh37 (hg19) VCF-style: chr7-30062365-C-T.
Other names: short protein forms D89N.
Identifiers: ClinVar variation 1794431 (VCV001794431.5), dbSNP rs760591517, ClinGen allele CA4203446.
Genomic context (GRCh38, chr7:30,022,749, plus strand): 5'-GAGCAGGAGGAATGATGAGCTTTCTCTTCTCTCCTACACACATTCCTTTCAAGCCCTGGT[C>T]CCAACCTTTGAGAGCCTCCAGGATGCCCAGGGTAAACCAAATGGGCTGACCATTGTTATG-3'
Protein context (NP_060416.1, residues 79-99): LGILEALKGW[Asp89Asn]QGLKGMCVGE